The following is an entry in ClinVar:

NM_000089.4(COL1A2):c.280-7T>C

Gene: COL1A2 (collagen type I alpha 2 chain; plus strand). Cytogenetic location: 7q21.3.
Variant type: single nucleotide variant.
Coding change: c.280-7T>C on transcript NM_000089.4 (MANE Select); 7 bases into the intron before coding-DNA position 280, T replaced by C.
Molecular consequence: intron variant.
Genome position (GRCh38, 1-based): chr7:94,404,549, T>C. VCF-style: chr7-94404549-T-C. GRCh37 (hg19) VCF-style: chr7-94033861-T-C.
Identifiers: ClinVar variation 978557 (VCV000978557.11), dbSNP rs750868020, ClinGen allele CA4346614.

ClinVar aggregate classification (germline): Conflicting classifications of pathogenicity. Review status: criteria provided, conflicting classifications (1 of 4 stars). 3 submissions from 3 submitters: Uncertain significance (1); Likely benign (2). Last evaluated 2024-05-15.

Conditions:
Osteogenesis imperfecta type I (OI1). Also called: OI, TYPE I; OSTEOGENESIS IMPERFECTA TARDA; OSTEOGENESIS IMPERFECTA WITH BLUE SCLERAE; Osteogenesis imperfecta type 1; Classic Non-deforming Osteogenesis Imperfecta with Blue Sclerae; Lobstein's Disease. Identifiers: Orphanet 216796, Orphanet 666, MedGen C0023931, MONDO:0008146, OMIM 166200. Disease mechanism: loss of function.
Ehlers-Danlos syndrome, classic type, 1 (EDSCL1). Also called: EHLERS-DANLOS SYNDROME, GRAVIS TYPE; EHLERS-DANLOS SYNDROME, SEVERE CLASSIC TYPE; EDS I; Ehlers-Danlos Syndrome, Classic Type, COL5A1-Related; Ehlers-Danlos syndrome, type 1. Identifiers: MedGen C0268335, MONDO:0019567, OMIM 130000.
Facial asymmetry. Also called: Asymmetric Face. Identifiers: MedGen C1306710, HP:0000324.
Strabismus. Identifiers: MedGen C0038379, MONDO:0003432, HP:0000486.
Single transverse palmar crease. Identifiers: MedGen C0424731, HP:0000954.
Global developmental delay (DD). Also called: Cognitive delay. Identifiers: MedGen C0557874, HP:0001263. Disease mechanism: loss of function.
Ventricular septal defect. Identifiers: MedGen C0018818, MONDO:0002070, HP:0001629.
Decreased body weight. Identifiers: MedGen C5574742, HP:0004325.
Short stature. Identifiers: MedGen C0349588, HP:0004322.

Allele frequency attached by ClinVar (database versions not stated): gnomAD exomes 0.00001; TOPMed below 0.00001; ExAC 0.00001; gnomAD 0.00001.
gnomAD v4.1: 11 of 1,612,822 alleles (0.00068%); highest among the groups gnomAD compares: Non-Finnish European, 0.00093%; no homozygotes.

Submissions (3):

Labcorp Genetics (formerly Invitae), Labcorp
Classification: Likely benign for Osteogenesis imperfecta type I; Ehlers-Danlos syndrome, classic type, 1. Last evaluated: 2024-05-15. Review status: criteria provided, single submitter. Criteria: Invitae Variant Classification Sherloc (09022015). Collection method: clinical testing. Allele origin: germline.

ARUP Laboratories, Molecular Genetics and Genomics, ARUP Laboratories
Classification: Likely benign. Last evaluated: 2023-03-23. Review status: criteria provided, single submitter. Criteria: ARUP Molecular Germline Variant Investigation Process 2024. Collection method: clinical testing. Allele origin: germline.

Centre for Mendelian Genomics, University Medical Centre Ljubljana
Classification: Uncertain significance for Facial asymmetry; Strabismus; Single transverse palmar crease; Global developmental delay; Ventricular septal defect; Short stature; Decreased body weight. Last evaluated: 2019-10-27. Review status: criteria provided, single submitter. Criteria: ACMG guidelines, Richards 2015. Collection method: clinical testing. Allele origin: germline. Affected: yes.
Comment: This variant was classified as: Uncertain significance. The available evidence on this varinat's pathogenicity is insufficient or conflicting. The following ACMG criteria were applied in classifying this variant: PM2,PP2,PP3. This variant was detected in heterozygous state.